The following is an entry in ClinVar:

NM_001130438.3(SPTAN1):c.1087C>G (p.Leu363Val)

Gene: SPTAN1 (spectrin alpha, non-erythrocytic 1; plus strand). Cytogenetic location: 9q34.11.
Variant type: single nucleotide variant.
Coding change: c.1087C>G on transcript NM_001130438.3 (MANE Select); coding-DNA position 1087, C replaced by G.
Protein change: p.Leu363Val; replaces leucine 363 with valine.
Molecular consequence: missense variant.
Genome position (GRCh38, 1-based): chr9:128,578,111, C>G. VCF-style: chr9-128578111-C-G. GRCh37 (hg19) VCF-style: chr9-131340390-C-G.
Other names: c.1087C>G, p.Leu363Val (NM_001195532.2, NM_001363759.2, NM_001363765.2 and 5 more transcripts); c.1123C>G, p.Leu375Val (NM_001375312.2, NM_001375318.1); short protein forms L363V, L375V.
Identifiers: ClinVar variation 2744712 (VCV002744712.3), dbSNP rs1851514985, ClinGen allele CA375051095.

ClinVar aggregate classification (germline): Uncertain significance (1 of 4 stars; one submission).

Conditions:
Early-infantile DEE. Also called: Early infantile epileptic encephalopathy with suppression bursts; Early infantile epileptic encephalopathy; Ohtahara syndrome. Identifiers: Orphanet 1934, MedGen C0393706, MONDO:0800491.

Allele frequency attached by ClinVar (database versions not stated): TOPMed below 0.00001.

Submission:

Labcorp Genetics (formerly Invitae), Labcorp
Classification: Uncertain significance for Early-infantile DEE. Last evaluated: 2023-07-18. Review status: criteria provided, single submitter. Criteria: Invitae Variant Classification Sherloc (09022015). Collection method: clinical testing. Allele origin: germline.
Comment: This sequence change replaces leucine, which is neutral and non-polar, with valine, which is neutral and non-polar, at codon 363 of the SPTAN1 protein (p.Leu363Val). This variant is not present in population databases (gnomAD no frequency). This variant has not been reported in the literature in individuals affected with SPTAN1-related conditions. An algorithm developed to predict the effect of missense changes on protein structure and function (PolyPhen-2) suggests that this variant is likely to be tolerated. In summary, the available evidence is currently insufficient to determine the role of this variant in disease. Therefore, it has been classified as a Variant of Uncertain Significance.